The following is an entry in ClinVar:

NM_006060.6(IKZF1):c.1364G>A (p.Ser455Asn)

Gene: IKZF1 (IKAROS family zinc finger 1; plus strand). Cytogenetic location: 7p12.2.
Variant type: single nucleotide variant.
Coding change: c.1364G>A on transcript NM_006060.6 (MANE Select); coding-DNA position 1364, G replaced by A.
Protein change: p.Ser455Asn; replaces serine 455 with asparagine.
Molecular consequence: missense variant.
Genome position (GRCh38, 1-based): chr7:50,400,431, G>A. VCF-style: chr7-50400431-G-A. GRCh37 (hg19) VCF-style: chr7-50468129-G-A.
Other names: c.1073G>A, p.Ser358Asn (NM_001220767.2); c.1103G>A, p.Ser368Asn (NM_001220768.2, NM_001291838.2); c.947G>A, p.Ser316Asn (NM_001220770.2); c.935G>A, p.Ser312Asn (NM_001220771.2, NM_001291841.1); c.1238G>A, p.Ser413Asn (NM_001291837.2, NM_001220765.3); c.977G>A, p.Ser326Asn (NM_001291839.2); c.674G>A, p.Ser225Asn (NM_001291840.1); c.905G>A, p.Ser302Asn (NM_001291842.1); and 2 more; short protein forms S225N, S260N, S270N, S302N, S312N, S316N, S326N, S358N.
Identifiers: ClinVar variation 1678221 (VCV001678221.6), dbSNP rs1817877967, ClinGen allele CA367524989.

ClinVar aggregate classification (germline): Uncertain significance. Review status: criteria provided, multiple submitters, no conflicts (2 of 4 stars). 2 submissions from 2 submitters: Uncertain significance (2). Last evaluated 2022-06-14.

Allele frequency attached by ClinVar (database versions not stated): gnomAD exomes below 0.00001; gnomAD 0.00001.
gnomAD v4.1: 2 of 1,613,766 alleles (0.00012%); highest among the groups gnomAD compares: Admixed American, 0.0033%; no homozygotes.

Submissions (2):

Labcorp Genetics (formerly Invitae), Labcorp
Classification: Uncertain significance. Last evaluated: 2022-06-14. Review status: criteria provided, single submitter. Criteria: Invitae Variant Classification Sherloc (09022015). Collection method: clinical testing. Allele origin: germline.
Comment: This sequence change replaces serine, which is neutral and polar, with asparagine, which is neutral and polar, at codon 455 of the IKZF1 protein (p.Ser455Asn). This variant is not present in population databases (gnomAD no frequency). In summary, the available evidence is currently insufficient to determine the role of this variant in disease. Therefore, it has been classified as a Variant of Uncertain Significance. Algorithms developed to predict the effect of missense changes on protein structure and function are either unavailable or do not agree on the potential impact of this missense change (SIFT: "Not Available"; PolyPhen-2: "Benign"; Align-GVGD: "Not Available"). This variant has not been reported in the literature in individuals affected with IKZF1-related conditions.

AiLife Diagnostics
Classification: Uncertain significance. Last evaluated: 2020-05-13. Review status: criteria provided, single submitter. Criteria: ACMG Guidelines, 2015. Collection method: clinical testing. Allele origin: germline. Affected: yes. Observed: 1 variant allele.